The following is an entry in ClinVar:

NM_173728.4(ARHGEF15):c.2004C>T (p.Ser668=)

Gene: ARHGEF15 (Rho guanine nucleotide exchange factor 15; plus strand). Cytogenetic location: 17p13.1.
Variant type: single nucleotide variant.
Coding change: c.2004C>T on transcript NM_173728.4 (MANE Select); coding-DNA position 2004, C replaced by T.
Protein change: p.Ser668=; no amino-acid change (serine 668 retained).
Molecular consequence: synonymous variant.
Genome position (GRCh38, 1-based): chr17:8,318,881, C>T. VCF-style: chr17-8318881-C-T. GRCh37 (hg19) VCF-style: chr17-8222199-C-T.
Other names: c.2004C>T, p.Ser668= (NM_025014.2).
Identifiers: ClinVar variation 697141 (VCV000697141.14), dbSNP rs142705439, ClinGen allele CA8375381.

ClinVar aggregate classification (germline): Benign. Review status: criteria provided, single submitter (1 of 4 stars). 2 submissions from 2 submitters: Benign (1). 1 of the submissions does not count toward it. Last evaluated 2025-08-26.

Conditions:
Early-infantile DEE. Also called: Early infantile epileptic encephalopathy with suppression bursts; Ohtahara syndrome; Early infantile epileptic encephalopathy. Identifiers: Orphanet 1934, MedGen C0393706, MONDO:0800491.
ARHGEF15-related disorder. Also called: ARHGEF15-related condition.

Allele frequency attached by ClinVar (database versions not stated): gnomAD exomes 0.00016 and 0.00040; ExAC 0.00052; 1000 Genomes Project 0.00060; 1000 Genomes Project 30x 0.00062; ESP Exome Variant Server 0.00085; gnomAD 0.00090 and 0.00093; TOPMed 0.00094.
gnomAD v4.1: 374 of 1,612,774 alleles (0.023%); highest among the groups gnomAD compares: African/African-American, 0.27%; 1 homozygote.

Submissions (2):

Labcorp Genetics (formerly Invitae), Labcorp
Classification: Benign for Early-infantile DEE. Last evaluated: 2025-08-26. Review status: criteria provided, single submitter. Criteria: Invitae Variant Classification Sherloc (09022015). Collection method: clinical testing. Allele origin: germline.

PreventionGenetics, part of Exact Sciences
Classification: Likely benign for ARHGEF15-related condition. Last evaluated: 2019-02-22. Review status: no assertion criteria provided. Collection method: clinical testing. Allele origin: germline. Not counted in ClinVar's aggregate classification.
Comment: This variant is classified as likely benign based on ACMG/AMP sequence variant interpretation guidelines (Richards et al. 2015 PMID: 25741868, with internal and published modifications).